The following is an entry in ClinVar:

ClinVar aggregate classification (germline): Uncertain significance (1 of 4 stars; one submission).

Submission:

Labcorp Genetics (formerly Invitae), Labcorp
Classification: Uncertain significance. Last evaluated: 2025-06-22. Review status: criteria provided, single submitter. Criteria: Invitae Variant Classification Sherloc (09022015). Collection method: clinical testing. Allele origin: germline.
Comment: This sequence change replaces arginine, which is basic and polar, with glycine, which is neutral and non-polar, at codon 341 of the TNFRSF11A protein (p.Arg341Gly). This variant is not present in population databases (gnomAD no frequency). This variant has not been reported in the literature in individuals affected with TNFRSF11A-related conditions. ClinVar contains an entry for this variant (Variation ID: 3697831). An algorithm developed to predict the effect of missense changes on protein structure and function (PolyPhen-2) suggests that this variant is likely to be disruptive. In summary, the available evidence is currently insufficient to determine the role of this variant in disease. Therefore, it has been classified as a Variant of Uncertain Significance.

NM_003839.4(TNFRSF11A):c.1021A>G (p.Arg341Gly)

Gene: TNFRSF11A (TNF receptor superfamily member 11a; plus strand). Cytogenetic location: 18q21.33.
Variant type: single nucleotide variant.
Coding change: c.1021A>G on transcript NM_003839.4 (MANE Select); coding-DNA position 1021, A replaced by G.
Protein change: p.Arg341Gly; replaces arginine 341 with glycine.
Molecular consequence: missense variant. On other transcripts: intron variant (3).
Genome position (GRCh38, 1-based): chr18:62,368,938, A>G. VCF-style: chr18-62368938-A-G. GRCh37 (hg19) VCF-style: chr18-60036171-A-G.
Other names: c.979A>G, p.Arg327Gly (NM_001278268.2); c.783+2178A>G (NM_001270949.2); c.730+7145A>G (NM_001270950.2); c.616+8889A>G (NM_001270951.2); short protein forms R327G, R341G.
Identifiers: ClinVar variation 3697831 (VCV003697831.2).
Genomic context (GRCh38, chr18:62,368,938, plus strand): 5'-GGCGAAGATGCCAGGATGCTCTCATTGGTCAGCAAGACCGAGATAGAGGAAGACAGCTTC[A>G]GACAGATGCCCACAGAAGATGAATACATGGACAGGCCCTCCCAGCCCACAGACCAGTTAC-3'
Protein context (NP_003830.1, residues 331-351): SKTEIEEDSF[Arg341Gly]QMPTEDEYMD